The following is an entry in ClinVar:

ClinVar aggregate classification (germline): Uncertain significance (1 of 4 stars; one submission).

Conditions:
Joubert syndrome. Also called: JOUBERT-BOLTSHAUSER SYNDROME; Familial aplasia of the vermis. Identifiers: Orphanet 475, MedGen C5979921, MONDO:0018772.
Meckel-Gruber syndrome. Also called: DYSENCEPHALIA SPLANCHNOCYSTICA; GRUBER SYNDROME; Dysencephalia splachnocystica. Identifiers: Orphanet 564, MedGen C0265215, MONDO:0018921.

Submission:

Labcorp Genetics (formerly Invitae), Labcorp
Classification: Uncertain significance for Joubert syndrome; Meckel-Gruber syndrome. Last evaluated: 2025-02-04. Review status: criteria provided, single submitter. Criteria: Invitae Variant Classification Sherloc (09022015). Collection method: clinical testing. Allele origin: germline.
Comment: This sequence change replaces arginine, which is basic and polar, with serine, which is neutral and polar, at codon 1512 of the CC2D2A protein (p.Arg1512Ser). This variant is not present in population databases (gnomAD no frequency). This variant has not been reported in the literature in individuals affected with CC2D2A-related conditions. Invitae Evidence Modeling of protein sequence and biophysical properties (such as structural, functional, and spatial information, amino acid conservation, physicochemical variation, residue mobility, and thermodynamic stability) indicates that this missense variant is expected to disrupt CC2D2A protein function with a positive predictive value of 80%. In summary, the available evidence is currently insufficient to determine the role of this variant in disease. Therefore, it has been classified as a Variant of Uncertain Significance.

NM_001378615.1(CC2D2A):c.4536G>T (p.Arg1512Ser)

Genes: CC2D2A (coiled-coil and C2 domain containing 2A; plus strand), FBXL5 (F-box and leucine rich repeat protein 5; minus strand). Cytogenetic location: 4p15.32.
Variant type: single nucleotide variant.
Coding change: c.4536G>T on transcript NM_001378615.1 (MANE Select); coding-DNA position 4536, G replaced by T.
Protein change: p.Arg1512Ser; replaces arginine 1512 with serine.
Molecular consequence: missense variant.
Genome position (GRCh38, 1-based): chr4:15,599,568, G>T. VCF-style: chr4-15599568-G-T. GRCh37 (hg19) VCF-style: chr4-15601191-G-T.
Other names: c.4536G>T, p.Arg1512Ser (NM_001080522.2); c.4389G>T, p.Arg1463Ser (NM_001378617.1); short protein forms R1463S, R1512S.
Identifiers: ClinVar variation 4789748 (VCV004789748.1).